The following is an entry in ClinVar:

ClinVar aggregate classification (germline): Uncertain significance (1 of 4 stars; one submission).

Conditions:
Kabuki syndrome. Also called: NIIKAWA-KUROKI SYNDROME; Kabuki make-up syndrome. Identifiers: Orphanet 2322, MedGen C0796004, MONDO:0016512.

Submission:

Labcorp Genetics (formerly Invitae), Labcorp
Classification: Uncertain significance for Kabuki syndrome. Last evaluated: 2025-07-09. Review status: criteria provided, single submitter. Criteria: Invitae Variant Classification Sherloc (09022015). Collection method: clinical testing. Allele origin: germline.
Comment: This sequence change replaces histidine, which is basic and polar, with arginine, which is basic and polar, at codon 3875 of the KMT2D protein (p.His3875Arg). This variant is not present in population databases (gnomAD no frequency). This variant has not been reported in the literature in individuals affected with KMT2D-related conditions. Invitae Evidence Modeling of protein sequence and biophysical properties (such as structural, functional, and spatial information, amino acid conservation, physicochemical variation, residue mobility, and thermodynamic stability) indicates that this missense variant is not expected to disrupt KMT2D protein function with a negative predictive value of 95%. In summary, the available evidence is currently insufficient to determine the role of this variant in disease. Therefore, it has been classified as a Variant of Uncertain Significance.

NM_003482.4(KMT2D):c.11624A>G (p.His3875Arg)

Gene: KMT2D (lysine methyltransferase 2D; minus strand). Cytogenetic location: 12q13.12.
Variant type: single nucleotide variant.
Coding change: c.11624A>G on transcript NM_003482.4 (MANE Select); coding-DNA position 11624, A replaced by G.
Protein change: p.His3875Arg; replaces histidine 3875 with arginine.
Molecular consequence: missense variant.
Genome position (GRCh38, 1-based): chr12:49,033,081, T>C on the plus strand (A>G on the coding strand, the complement: KMT2D is on the minus strand). VCF-style: chr12-49033081-T-C. GRCh37 (hg19) VCF-style: chr12-49426864-T-C.
Other names: short protein forms H3875R.
Identifiers: ClinVar variation 4801203 (VCV004801203.1).